The following is an entry in ClinVar:

NM_000475.5(NR0B1):c.1201C>T (p.Gln401Ter)

Gene: NR0B1 (nuclear receptor subfamily 0 group B member 1; minus strand). Cytogenetic location: Xp21.2.
Variant type: single nucleotide variant.
Coding change: c.1201C>T on transcript NM_000475.5 (MANE Select); coding-DNA position 1201, C replaced by T.
Protein change: p.Gln401Ter; replaces glutamine 401 with a stop codon.
Molecular consequence: nonsense.
Genome position (GRCh38, 1-based): chrX:30,304,791, G>A on the plus strand (C>T on the coding strand, the complement: NR0B1 is on the minus strand). VCF-style: chrX-30304791-G-A. GRCh37 (hg19) VCF-style: chrX-30322908-G-A.
Other names: short protein forms Q401*.
Identifiers: ClinVar variation 1707528 (VCV001707528.1), dbSNP rs764476639, ClinGen allele CA412545617.

ClinVar aggregate classification (germline): Pathogenic (1 of 4 stars; one submission).

Conditions:
Congenital adrenal hypoplasia, X-linked (AHC). Also called: X-linked AHC; X-Linked Adrenal Hypoplasia Congenita; Isolated X-Linked Adrenal Hypoplasia Congenita; ADRENAL HYPOPLASIA, CONGENITAL, WITH HYPOGONADOTROPIC HYPOGONADISM. Identifiers: Orphanet 95702, MedGen C0342482, MONDO:0010264, OMIM 300200. Disease mechanism: loss of function.

Submission:

Institute of Human Genetics, University of Leipzig Medical Center
Classification: Pathogenic for Congenital adrenal hypoplasia, X-linked. Last evaluated: 2022-09-06. Review status: criteria provided, single submitter. Criteria: ACMG Guidelines, 2015. Collection method: clinical testing. Allele origin: unknown. Affected: yes.
Comment: This variant was identified as hemizygous._x000D_ Criteria applied: PVS1, PM2_SUP, PP4